The following is an entry in ClinVar:

NM_000321.3(RB1):c.540-13A>G

Gene: RB1 (RB transcriptional corepressor 1; plus strand). Cytogenetic location: 13q14.2.
Variant type: single nucleotide variant.
Coding change: c.540-13A>G on transcript NM_000321.3 (MANE Select); 13 bases into the intron before coding-DNA position 540, A replaced by G.
Molecular consequence: intron variant.
Genome position (GRCh38, 1-based): chr13:48,348,943, A>G. VCF-style: chr13-48348943-A-G. GRCh37 (hg19) VCF-style: chr13-48923079-A-G.
Other names: c.540-13A>G (NM_001407165.1, NM_001407166.1).
Identifiers: ClinVar variation 2724839 (VCV002724839.4), dbSNP rs1593437923, ClinGen allele CA2622979157.
Genomic context (GRCh38, chr13:48,348,943, plus strand): 5'-AGATATATCTGGAAAACTTTCTTTCAGTGATACATTTTTCCTGTTTTTTTTCTGCTTTCT[A>G]TTTGTTTAATAGGATATCTACTGAAATAAATTCTGCATTGGTGCTAAAAGTTTCTTGGAT-3'

ClinVar aggregate classification (germline): Likely benign. Review status: criteria provided, multiple submitters, no conflicts (2 of 4 stars). 2 submissions from 2 submitters: Likely benign (2). Last evaluated 2026-06-18.

Conditions:
Retinoblastoma (RB1). Also called: RETINOBLASTOMA, SOMATIC. Identifiers: Orphanet 790, MedGen C0035335, MeSH D012175, MONDO:0008380, OMIM 180200, HP:0009919. Disease mechanism: loss of function. Inheritance: Both sporadic and heritable forms are tested..

Allele frequency attached by ClinVar (database versions not stated): gnomAD exomes below 0.00001.
gnomAD v4.1: 1 of 1,594,364 alleles (0.000063%); highest among the groups gnomAD compares: Non-Finnish European, 0.000085%; no homozygotes.

Submissions (2):

Myriad Genetics, Inc.
Classification: Likely benign for Retinoblastoma. Last evaluated: 2026-06-18. Review status: criteria provided, single submitter. Criteria: Myriad Autosomal Dominant, Autosomal Recessive and X-Linked Classification Criteria (2023). Collection method: clinical testing. Allele origin: unknown.
Comment: This variant is considered likely benign. This variant is intronic and is not expected to impact mRNA splicing.

Labcorp Genetics (formerly Invitae), Labcorp
Classification: Likely benign for Retinoblastoma. Last evaluated: 2025-07-30. Review status: criteria provided, single submitter. Criteria: Invitae Variant Classification Sherloc (09022015). Collection method: clinical testing. Allele origin: germline.